The following is an entry in ClinVar:

ClinVar aggregate classification (germline): Uncertain significance (1 of 4 stars; one submission).

Conditions:
Orthostatic hypotension 1 (ORTHYP1). Also called: Dopamine beta-hydroxylase deficiency; Orthostatic hypotension 1, due to DBH deficiency; NORADRENALINE DEFICIENCY; NOREPINEPHRINE DEFICIENCY. Identifiers: Orphanet 230, MedGen C4746777, MONDO:0009123, OMIM 223360.

Submission:

Labcorp Genetics (formerly Invitae), Labcorp
Classification: Uncertain significance for Orthostatic hypotension 1. Last evaluated: 2022-05-12. Review status: criteria provided, single submitter. Criteria: Invitae Variant Classification Sherloc (09022015). Collection method: clinical testing. Allele origin: germline.
Comment: Algorithms developed to predict the effect of missense changes on protein structure and function are either unavailable or do not agree on the potential impact of this missense change (SIFT: "Tolerated"; PolyPhen-2: "Possibly Damaging"; Align-GVGD: "Class C0"). This variant has not been reported in the literature in individuals affected with DBH-related conditions. This variant is not present in population databases (gnomAD no frequency). This sequence change replaces glutamine, which is neutral and polar, with proline, which is neutral and non-polar, at codon 75 of the DBH protein (p.Gln75Pro). In summary, the available evidence is currently insufficient to determine the role of this variant in disease. Therefore, it has been classified as a Variant of Uncertain Significance.

NM_000787.4(DBH):c.224A>C (p.Gln75Pro)

Gene: DBH (dopamine beta-hydroxylase; plus strand). Cytogenetic location: 9q34.2.
Variant type: single nucleotide variant.
Coding change: c.224A>C on transcript NM_000787.4 (MANE Select); coding-DNA position 224, A replaced by C.
Protein change: p.Gln75Pro; replaces glutamine 75 with proline.
Molecular consequence: missense variant.
Genome position (GRCh38, 1-based): chr9:133,636,595, A>C. VCF-style: chr9-133636595-A-C. GRCh37 (hg19) VCF-style: chr9-136501717-A-C.
Other names: short protein forms Q75P.
Identifiers: ClinVar variation 1938765 (VCV001938765.5), dbSNP rs2538334557, ClinGen allele CA375407621.